The following is an entry in ClinVar:

ClinVar aggregate classification (germline): Uncertain significance (1 of 4 stars; one submission).

Submission:

Ambry Genetics
Classification: Uncertain significance. Last evaluated: 2025-08-04. Review status: criteria provided, single submitter. Criteria: Ambry Variant Classification Scheme 2023. Collection method: clinical testing. Allele origin: germline.
Comment: The p.S47P variant (also known as c.139T>C), located in coding exon 1 of the CDK12 gene, results from a T to C substitution at nucleotide position 139. The serine at codon 47 is replaced by proline, an amino acid with similar properties. This amino acid position is conserved. In addition, this alteration is predicted to be tolerated by in silico analysis. Based on the available evidence, the clinical significance of this variant remains unclear.

NM_016507.4(CDK12):c.139T>C (p.Ser47Pro)

Genes: CDK12 (cyclin dependent kinase 12; plus strand), LOC126862553 (CDK7 strongly-dependent group 2 enhancer GRCh37_chr17:37618166-37619365; plus strand). Cytogenetic location: 17q12.
Variant type: single nucleotide variant.
Coding change: c.139T>C on transcript NM_016507.4 (MANE Select); coding-DNA position 139, T replaced by C.
Protein change: p.Ser47Pro; replaces serine 47 with proline.
Molecular consequence: missense variant.
Genome position (GRCh38, 1-based): chr17:39,462,210, T>C. VCF-style: chr17-39462210-T-C. GRCh37 (hg19) VCF-style: chr17-37618463-T-C.
Other names: c.139T>C, p.Ser47Pro (NM_015083.4); short protein forms S47P.
Identifiers: ClinVar variation 4224346 (VCV004224346.1).